The following is an entry in ClinVar:

ClinVar aggregate classification (germline): Likely benign (1 of 4 stars; one submission).

Conditions:
GLE1-related disorder. Also called: GLE1-related condition; GLE1-related disorders.

gnomAD v4.1: 26 of 1,613,872 alleles (0.0016%); highest among the groups gnomAD compares: East Asian, 0.0067%; no homozygotes.

Submission:

PreventionGenetics, part of Exact Sciences
Classification: Likely benign for GLE1-related condition. Last evaluated: 2026-06-18. Review status: criteria provided, single submitter. Criteria: ACMG Guidelines, 2015. Collection method: clinical testing. Allele origin: germline.
Comment: This variant is classified as likely benign based on ACMG/AMP sequence variant interpretation guidelines (Richards et al. 2015 PMID: 25741868, with internal and published modifications).

NM_001003722.2(GLE1):c.1464C>T (p.Gly488=)

Genes: GLE1 (GLE1 RNA export mediator; plus strand), LOC101929270 (uncharacterized LOC101929270; minus strand). Cytogenetic location: 9q34.11.
Variant type: single nucleotide variant.
Coding change: c.1464C>T on transcript NM_001003722.2 (MANE Select); coding-DNA position 1464, C replaced by T.
Protein change: p.Gly488=; no amino-acid change (glycine 488 retained).
Molecular consequence: synonymous variant.
Genome position (GRCh38, 1-based): chr9:128,533,769, C>T. VCF-style: chr9-128533769-C-T. GRCh37 (hg19) VCF-style: chr9-131296048-C-T.
Other names: c.1491C>T, p.Gly497= (NM_001411013.1); c.1464C>T, p.Gly488= (NM_001499.2).
Identifiers: ClinVar variation 4986369 (VCV004986369.1).